The following is an entry in ClinVar:

NM_006767.4(LZTR1):c.1039G>T (p.Val347Leu)

Gene: LZTR1 (leucine zipper like post translational regulator 1; plus strand). Cytogenetic location: 22q11.21.
Variant type: single nucleotide variant.
Coding change: c.1039G>T on transcript NM_006767.4 (MANE Select); coding-DNA position 1039, G replaced by T.
Protein change: p.Val347Leu; replaces valine 347 with leucine.
Molecular consequence: missense variant.
Genome position (GRCh38, 1-based): chr22:20,992,259, G>T. VCF-style: chr22-20992259-G-T. GRCh37 (hg19) VCF-style: chr22-21346548-G-T.
Other names: short protein forms V347L.
Identifiers: ClinVar variation 2447729 (VCV002447729.2), dbSNP rs2518617992, ClinGen allele CA410781856.
Genomic context (GRCh38, chr22:20,992,259, plus strand): 5'-GTCTCCCCTCTTCAGGTTGGTGGGGCTGAAGTGCCCGAGCGAGCCTGTGCTTCCGAGGAG[G>T]TGCCCACCCTGACCTATGAGGAGCGGGTTGGCTTCAAGAAGTCCCGAGATGTGTTTGGCC-3'
Protein context (NP_006758.2, residues 337-357): VPERACASEE[Val347Leu]PTLTYEERVG

ClinVar aggregate classification (germline): Uncertain significance (1 of 4 stars; one submission).

Conditions:
Cardiovascular phenotype. Identifiers: MedGen CN230736.
Hereditary cancer-predisposing syndrome. Also called: Neoplastic Syndromes, Hereditary; Hereditary Cancer Syndrome; Tumor predisposition; Hereditary neoplastic syndrome. Identifiers: Orphanet 140162, MedGen C0027672, MeSH D009386, MONDO:0015356.

Submission:

Ambry Genetics
Classification: Uncertain significance for Cardiovascular phenotype; Hereditary cancer-predisposing syndrome. Last evaluated: 2023-01-05. Review status: criteria provided, single submitter. Criteria: Ambry Variant Classification Scheme 2023. Collection method: clinical testing. Allele origin: germline.
Comment: The p.V347L variant (also known as c.1039G>T), located in coding exon 10 of the LZTR1 gene, results from a G to T substitution at nucleotide position 1039. The valine at codon 347 is replaced by leucine, an amino acid with highly similar properties. This amino acid position is conserved. In addition, this alteration is predicted to be tolerated by in silico analysis. Since supporting evidence is limited at this time, the clinical significance of this alteration remains unclear.